The following is an entry in ClinVar:

NM_000535.7(PMS2):c.1494C>T (p.Ser498=)

Gene: PMS2 (PMS1 homolog 2, mismatch repair system component; minus strand). Cytogenetic location: 7p22.1.
Variant type: single nucleotide variant.
Coding change: c.1494C>T on transcript NM_000535.7 (MANE Select); coding-DNA position 1494, C replaced by T.
Protein change: p.Ser498=; no amino-acid change (serine 498 retained).
Molecular consequence: synonymous variant. On other transcripts: non-coding transcript variant (1).
Genome position (GRCh38, 1-based): chr7:5,987,271, G>A on the plus strand (C>T on the coding strand, the complement: PMS2 is on the minus strand). VCF-style: chr7-5987271-G-A. GRCh37 (hg19) VCF-style: chr7-6026902-G-A.
Other names: c.1089C>T, p.Ser363= (NM_001322003.2, NM_001322004.2, NM_001322005.2 and 1 more transcripts); c.1338C>T, p.Ser446= (NM_001322006.2); c.1176C>T, p.Ser392= (NM_001322007.2, NM_001322008.2); c.933C>T, p.Ser311= (NM_001322010.2); c.561C>T, p.Ser187= (NM_001322011.2, NM_001322012.2); c.921C>T, p.Ser307= (NM_001322013.2); c.1494C>T, p.Ser498= (NM_001322014.2); c.1185C>T, p.Ser395= (NM_001322015.2).
Identifiers: ClinVar variation 480304 (VCV000480304.20), dbSNP rs770181766, ClinGen allele CA043978.

ClinVar aggregate classification (germline): Benign/Likely benign. Review status: criteria provided, multiple submitters, no conflicts (2 of 4 stars). 6 submissions from 6 submitters: Benign (1); Likely benign (5). Last evaluated 2026-02-03.

Conditions:
Hereditary cancer-predisposing syndrome. Also called: Hereditary Cancer Syndrome; Neoplastic Syndromes, Hereditary; Tumor predisposition; Hereditary neoplastic syndrome. Identifiers: Orphanet 140162, MedGen C0027672, MeSH D009386, MONDO:0015356.
Lynch syndrome. Identifiers: Orphanet 144, MedGen C4552100, MONDO:0005835. Disease mechanism: loss of function.
Hereditary nonpolyposis colorectal neoplasms. Identifiers: MedGen C0009405, MeSH D003123.
Lynch syndrome 4 (LYNCH4). Also called: Colorectal cancer, hereditary nonpolyposis, type 4; Hereditary non-polyposis colorectal cancer, type 4. Identifiers: Orphanet 144, MedGen C1838333, MONDO:0013699, OMIM 614337. Disease mechanism: loss of function.

Allele frequency attached by ClinVar (database versions not stated): ExAC 0.00001; gnomAD 0.00001; TOPMed 0.00001; gnomAD exomes 0.00003.
gnomAD v4.1: 12 of 1,613,986 alleles (0.00074%); highest among the groups gnomAD compares: East Asian, 0.027%; no homozygotes.

Submissions (6):

Labcorp Genetics (formerly Invitae), Labcorp
Classification: Likely benign for Hereditary nonpolyposis colorectal neoplasms. Last evaluated: 2026-02-03. Review status: criteria provided, single submitter. Criteria: Invitae Variant Classification Sherloc (09022015). Collection method: clinical testing. Allele origin: germline.

Myriad Genetics, Inc.
Classification: Benign for Lynch syndrome 4. Last evaluated: 2025-01-30. Review status: criteria provided, single submitter. Criteria: Myriad Autosomal Dominant, Autosomal Recessive and X-Linked Classification Criteria (2023). Collection method: clinical testing. Allele origin: unknown.
Comment: This variant is considered benign. This variant is a silent/synonymous amino acid change and it is not expected to impact splicing.

All of Us Research Program, National Institutes of Health
Classification: Likely benign for Lynch syndrome. Last evaluated: 2024-07-10. Review status: criteria provided, single submitter. Criteria: ACMG Guidelines, 2015. Collection method: clinical testing. Allele origin: germline. Inheritance: Autosomal dominant inheritance. Observed: 1 variant allele, 1 heterozygote.
Comment: This study involves interpretation of variants in research participants for the purpose of population health screening. Participant phenotype was not available at the time of variant classification. Additional details can be found in publication PMID: 35346344, PMCID: PMC8962531

GeneDx
Classification: Likely benign. Last evaluated: 2017-11-13. Review status: criteria provided, single submitter. Criteria: GeneDx Variant Classification (06012015). Collection method: clinical testing. Allele origin: germline. Affected: yes.
Comment: This variant is considered likely benign or benign based on one or more of the following criteria: it is a conservative change, it occurs at a poorly conserved position in the protein, it is predicted to be benign by multiple in silico algorithms, and/or has population frequency not consistent with disease.

Color Diagnostics, LLC DBA Color Health
Classification: Likely benign for Hereditary cancer-predisposing syndrome. Last evaluated: 2017-01-19. Review status: criteria provided, single submitter. Criteria: ACMG Guidelines, 2015. Collection method: clinical testing. Allele origin: germline.

Ambry Genetics
Classification: Likely benign for Hereditary cancer-predisposing syndrome. Last evaluated: 2015-08-18. Review status: criteria provided, single submitter. Criteria: Ambry Variant Classification Scheme 2023. Collection method: clinical testing. Allele origin: germline.